The following is an entry in ClinVar:

ClinVar aggregate classification (germline): Uncertain significance. Review status: criteria provided, multiple submitters, no conflicts (2 of 4 stars). 6 submissions from 6 submitters: Uncertain significance (5). 1 of the submissions does not count toward it. Last evaluated 2025-03-24.

Conditions:
Ehlers-Danlos syndrome, dermatosparaxis type. Also called: Ehlers-Danlos syndrome, type VII, autosomal recessive; EDS VIIC; Dermatosparaxis. Identifiers: Orphanet 1901, MedGen C2700425, MONDO:0009161, OMIM 225410.

Allele frequency attached by ClinVar (database versions not stated): gnomAD exomes 0.00003; ExAC 0.00004; gnomAD 0.00353; 1000 Genomes Project 30x 0.00734.

Submissions (6):

Women's Health and Genetics/Laboratory Corporation of America, LabCorp
Classification: Uncertain significance. Last evaluated: 2025-03-24. Review status: criteria provided, single submitter. Criteria: LabCorp Variant Classification Summary - May 2015. Collection method: clinical testing. Allele origin: germline.
Comment: Variant summary: ADAMTS2 c.2846A>C (p.Asn949Thr) results in a non-conservative amino acid change in the encoded protein sequence. Three of five in-silico tools predict a benign effect of the variant on protein function. The variant allele was found at a frequency of 3.3e-05 in 239580 control chromosomes. The available data on variant occurrences in the general population are insufficient to allow any conclusion about variant significance. To our knowledge, no occurrence of c.2846A>C in individuals affected with Ehlers-Danlos syndrome, dermatosparaxis type and no experimental evidence demonstrating its impact on protein function have been reported. ClinVar contains an entry for this variant (Variation ID: 905623). Based on the evidence outlined above, the variant was classified as uncertain significance.

Mayo Clinic Laboratories, Mayo Clinic
Classification: Uncertain significance. Last evaluated: 2024-04-11. Review status: criteria provided, single submitter. Criteria: ACMG Guidelines, 2015. Collection method: clinical testing. Allele origin: germline. Observed: 1 variant allele.
Comment: BP4

Labcorp Genetics (formerly Invitae), Labcorp
Classification: Uncertain significance for Ehlers-Danlos syndrome, dermatosparaxis type. Last evaluated: 2020-06-14. Review status: criteria provided, single submitter. Criteria: Invitae Variant Classification Sherloc (09022015). Collection method: clinical testing. Allele origin: germline.
Comment: This sequence change replaces asparagine with threonine at codon 949 of the ADAMTS2 protein (p.Asn949Thr). The asparagine residue is highly conserved and there is a small physicochemical difference between asparagine and threonine. This variant is present in population databases (rs376054177, ExAC 0.02%). This variant has not been reported in the literature in individuals with ADAMTS2-related disease. Algorithms developed to predict the effect of missense changes on protein structure and function (SIFT, PolyPhen-2, Align-GVGD) all suggest that this variant is likely to be disruptive, but these predictions have not been confirmed by published functional studies and their clinical significance is uncertain. In summary, the available evidence is currently insufficient to determine the role of this variant in disease. Therefore, it has been classified as a Variant of Uncertain Significance.

GeneDx
Classification: Uncertain significance. Last evaluated: 2019-11-15. Review status: criteria provided, single submitter. Criteria: GeneDx Variant Classification Process June 2021. Collection method: clinical testing. Allele origin: germline. Affected: yes.
Comment: Not observed at a significant frequency in large population cohorts (Lek et al., 2016); In silico analysis, which includes protein predictors and evolutionary conservation, supports a deleterious effect; Has not been previously published as pathogenic or benign to our knowledge

Illumina Laboratory Services, Illumina
Classification: Uncertain significance for Ehlers-Danlos syndrome, dermatosparaxis type. Last evaluated: 2018-01-13. Review status: criteria provided, single submitter. Criteria: ICSL Variant Classification Criteria 13 December 2019. Collection method: clinical testing. Allele origin: germline.

Natera, Inc.
Classification: Uncertain significance for Ehlers-Danlos syndrome type VIIC. Last evaluated: 2020-02-13. Review status: no assertion criteria provided. Collection method: clinical testing. Allele origin: germline. Not counted in ClinVar's aggregate classification.

NM_014244.5(ADAMTS2):c.2846A>C (p.Asn949Thr)

Gene: ADAMTS2 (ADAM metallopeptidase with thrombospondin type 1 motif 2; minus strand). Cytogenetic location: 5q35.3.
Variant type: single nucleotide variant.
Coding change: c.2846A>C on transcript NM_014244.5 (MANE Select); coding-DNA position 2846, A replaced by C.
Protein change: p.Asn949Thr; replaces asparagine 949 with threonine.
Molecular consequence: missense variant.
Genome position (GRCh38, 1-based): chr5:179,125,085, T>G on the plus strand (A>C on the coding strand, the complement: ADAMTS2 is on the minus strand). VCF-style: chr5-179125085-T-G. GRCh37 (hg19) VCF-style: chr5-178552086-T-G.
Other names: p.Asn949Thr; short protein forms N949T.
Identifiers: ClinVar variation 905623 (VCV000905623.14), dbSNP rs376054177, ClinGen allele CA3595398.